The following is an entry in ClinVar:

NM_182961.4(SYNE1):c.23547A>G (p.Glu7849=)

Gene: SYNE1 (spectrin repeat containing nuclear envelope protein 1; minus strand). Cytogenetic location: 6q25.2.
Variant type: single nucleotide variant.
Coding change: c.23547A>G on transcript NM_182961.4 (MANE Select); coding-DNA position 23547, A replaced by G.
Protein change: p.Glu7849=; no amino-acid change (glutamic acid 7849 retained).
Molecular consequence: synonymous variant.
Genome position (GRCh38, 1-based): chr6:152,176,474, T>C on the plus strand (A>G on the coding strand, the complement: SYNE1 is on the minus strand). VCF-style: chr6-152176474-T-C. GRCh37 (hg19) VCF-style: chr6-152497609-T-C.
Other names: c.153A>G, p.Glu51= (NM_001347701.2); c.23334A>G, p.Glu7778= (NM_033071.5).
Identifiers: ClinVar variation 387588 (VCV000387588.3), dbSNP rs1057522829, ClinGen allele CA16605039.

ClinVar aggregate classification (germline): Likely benign. Review status: criteria provided, multiple submitters, no conflicts (2 of 4 stars). 2 submissions from 2 submitters: Likely benign (2). Last evaluated 2024-10-09.

Conditions:
Emery-Dreifuss muscular dystrophy 4, autosomal dominant (EDMD4). Also called: EMERY-DREIFUSS MUSCULAR DYSTROPHY 4 WITH VARIABLE FEATURES. Identifiers: Orphanet 261, MedGen C2751807, MONDO:0013071, OMIM 612998.
Autosomal recessive ataxia, Beauce type. Also called: ATAXIA, RECESSIVE, OF BEAUCE; SYNE1-Related Autosomal Recessive Cerebellar Ataxia; Spinocerebellar ataxia, autosomal recessive 8; SYNE1 Deficiency. Identifiers: Orphanet 88644, MedGen C1853116, MONDO:0012549, OMIM 610743.

Allele frequency attached by ClinVar (database versions not stated): gnomAD exomes below 0.00001.
gnomAD v4.1: 3 of 1,614,200 alleles (0.00019%); highest among the groups gnomAD compares: East Asian, 0.0045%; no homozygotes.

Submissions (2):

Labcorp Genetics (formerly Invitae), Labcorp
Classification: Likely benign for Emery-Dreifuss muscular dystrophy 4, autosomal dominant; Autosomal recessive ataxia, Beauce type. Last evaluated: 2024-10-09. Review status: criteria provided, single submitter. Criteria: Invitae Variant Classification Sherloc (09022015). Collection method: clinical testing. Allele origin: germline.

GeneDx
Classification: Likely benign. Last evaluated: 2016-08-01. Review status: criteria provided, single submitter. Criteria: GeneDx Variant Classification (06012015). Collection method: clinical testing. Allele origin: germline. Affected: yes.
Comment: This variant is considered likely benign or benign based on one or more of the following criteria: it is a conservative change, it occurs at a poorly conserved position in the protein, it is predicted to be benign by multiple in silico algorithms, and/or has population frequency not consistent with disease.